The following is an entry in ClinVar:

NM_001388485.1(LMTK3):c.2259C>G (p.Pro753=)

Gene: LMTK3 (lemur tail kinase 3; minus strand). Cytogenetic location: 19q13.33.
Variant type: single nucleotide variant.
Coding change: c.2259C>G on transcript NM_001388485.1 (MANE Select); coding-DNA position 2259, C replaced by G.
Protein change: p.Pro753=; no amino-acid change (proline 753 retained).
Molecular consequence: synonymous variant.
Genome position (GRCh38, 1-based): chr19:48,498,810, G>C on the plus strand (C>G on the coding strand, the complement: LMTK3 is on the minus strand). VCF-style: chr19-48498810-G-C. GRCh37 (hg19) VCF-style: chr19-49002067-G-C.
Other names: c.2259C>G, p.Pro753= (NM_001080434.2).
Identifiers: ClinVar variation 2650209 (VCV002650209.24), dbSNP rs1177898634, ClinGen allele CA508268027.

ClinVar aggregate classification (germline): Likely benign (1 of 4 stars; one submission).

Submission:

CeGaT Center for Human Genetics Tuebingen
Classification: Likely benign. Last evaluated: 2022-08-01. Review status: criteria provided, single submitter. Criteria: CeGaT Center For Human Genetics Tuebingen Variant Classification Criteria Version 2. Collection method: clinical testing. Allele origin: germline. Affected: yes. Observed: 1 variant allele.
Comment: LMTK3: BP4, BP7